The following is an entry in ClinVar:

NM_001048174.2(MUTYH):c.181_182del (p.Asp61fs)

Gene: MUTYH (mutY DNA glycosylase; minus strand). Cytogenetic location: 1p34.1.
Variant type: Microsatellite.
Coding change: c.181_182del on transcript NM_001048174.2 (MANE Select); coding-DNA positions 181 to 182, 2 bases deleted (GA; older notation c.181_182delGA).
Protein change: p.Asp61fs; shifts the reading frame from aspartic acid 61.
Molecular consequence: frameshift variant. On other transcripts: 5 prime UTR variant (1), non-coding transcript variant (2).
Genome position (GRCh38, 1-based): chr1:45,333,495-45,333,496, TC deleted on the plus strand (GA on the coding strand, the reverse complement: MUTYH is on the minus strand); deleting any 2 consecutive bases within chr1:45,333,495-45,333,499 gives the same sequence; the c. name uses the placement nearest the transcript's 3' end. VCF-style (leftmost placement, unchanged base first): chr1-45333494-GTC-G. GRCh37 (hg19) VCF-style: chr1-45799166-GTC-G.
Other names: c.181_182del, p.Asp61fs (NM_001048171.2, NM_001048173.2, NM_001293195.2); c.184_185del, p.Asp62fs (NM_001048172.2); c.262_263AG[1], p.Asp89Argfs (NM_001128425.1); c.265_266del, p.Asp89fs (NM_001128425.2); c.226_227del, p.Asp76fs (NM_001293190.2); c.214_215del, p.Asp72fs (NM_001293191.2); c.-93GA[1] (NM_001350650.2); c.253_254AG[1], p.Asp86Argfs (NM_001407069.1); and 8 more; short protein forms D61fs, D62fs, D72fs, D76fs, D86fs, D89fs.
Identifiers: ClinVar variation 1801612 (VCV001801612.4), dbSNP rs2524274573, ClinGen allele CA2580611216.
Genomic context (GRCh38, chr1:45,333,494, plus strand): 5'-CCGTTTCTCTTGGTCGTACCAGCTTAGCAGGCTCCCTCGGAAGGCTGTGACTTCAGCTAC[GTC>G]TCTGAATAGATGGTATGAGGAGACAGAGGCCTGCAATACCACCTCTTCCGGCTGCCTGGC-3'

ClinVar aggregate classification (germline): Pathogenic. Review status: criteria provided, multiple submitters, no conflicts (2 of 4 stars). 3 submissions from 3 submitters: Pathogenic (2). 1 of the submissions does not count toward it. Last evaluated 2024-06-10.

Conditions:
Familial adenomatous polyposis 2. Also called: Adenomas, multiple colorectal; MUTYH-related attenuated familial adenomatous polyposis; FAP type 2; COLORECTAL ADENOMATOUS POLYPOSIS, AUTOSOMAL RECESSIVE; ADENOMAS, MULTIPLE COLORECTAL, AUTOSOMAL RECESSIVE; MUTYH Polyposis. Identifiers: Orphanet 220460, Orphanet 247798, MedGen C3272841, MONDO:0012041, OMIM 608456.
Hereditary cancer-predisposing syndrome. Also called: Neoplastic Syndromes, Hereditary; Hereditary neoplastic syndrome; Hereditary Cancer Syndrome; Tumor predisposition. Identifiers: Orphanet 140162, MedGen C0027672, MeSH D009386, MONDO:0015356.
Gastric cancer. Also called: Malignant tumor of stomach; Stomach cancer. Identifiers: MedGen C0024623, MeSH D013274, MONDO:0001056, OMIM 613659, HP:0012126.

Submissions (3):

Labcorp Genetics (formerly Invitae), Labcorp
Classification: Pathogenic for Familial adenomatous polyposis 2. Last evaluated: 2024-06-10. Review status: criteria provided, single submitter. Criteria: Invitae Variant Classification Sherloc (09022015). Collection method: clinical testing. Allele origin: germline.
Comment: This sequence change creates a premature translational stop signal (p.Asp89Argfs*3) in the MUTYH gene. It is expected to result in an absent or disrupted protein product. Loss-of-function variants in MUTYH are known to be pathogenic (PMID: 18534194, 20663686). This variant is not present in population databases (gnomAD no frequency). This variant has not been reported in the literature in individuals affected with MUTYH-related conditions. ClinVar contains an entry for this variant (Variation ID: 1801612). For these reasons, this variant has been classified as Pathogenic.

Ambry Genetics
Classification: Pathogenic for Hereditary cancer-predisposing syndrome. Last evaluated: 2023-02-14. Review status: criteria provided, single submitter. Criteria: Ambry Variant Classification Scheme 2023. Collection method: clinical testing. Allele origin: germline.
Comment: The c.265_266delGA pathogenic mutation, located in coding exon 3 of the MUTYH gene, results from a deletion of two nucleotides at nucleotide positions 265 to 266, causing a translational frameshift with a predicted alternate stop codon (p.D89Rfs*3). This variant is considered to be rare based on population cohorts in the Genome Aggregation Database (gnomAD). This alteration is expected to result in loss of function by premature protein truncation or nonsense-mediated mRNA decay. As such, this alteration is interpreted as a disease-causing mutation.

Laboratory for Genotyping Development, RIKEN
Classification: Pathogenic for Gastric cancer. Last evaluated: 2021-07-01. Review status: no assertion criteria provided. Collection method: research. Allele origin: germline. Not counted in ClinVar's aggregate classification.

Literature cited by the submitters: PubMed 18534194 (cited by Labcorp Genetics (formerly Invitae), Labcorp); PubMed 20663686 (cited by Labcorp Genetics (formerly Invitae), Labcorp); PubMed 36988593 (cited by Laboratory for Genotyping Development, RIKEN).